The following is an entry in ClinVar:

ClinVar aggregate classification (germline): Likely pathogenic (0 of 4 stars; one submission).

Conditions:
PLOD2-related disorder. Also called: PLOD2-related condition.

Submission:

PreventionGenetics, part of Exact Sciences
Classification: Likely pathogenic for PLOD2-related condition. Last evaluated: 2024-08-28. Review status: no assertion criteria provided. Collection method: clinical testing. Allele origin: germline.
Comment: The PLOD2 c.319delG variant is predicted to result in a frameshift and premature protein termination (p.Val107Leufs*20). To our knowledge, this variant has not been reported in the literature or in a large population database, indicating this variant is rare. Frameshift variants in PLOD2 are expected to be pathogenic. This variant is interpreted as likely pathogenic.

NM_182943.3(PLOD2):c.319del (p.Val107fs)

Gene: PLOD2 (procollagen-lysine,2-oxoglutarate 5-dioxygenase 2; minus strand). Cytogenetic location: 3q24.
Variant type: Deletion.
Coding change: c.319del on transcript NM_182943.3 (MANE Select); coding-DNA position 319, one base deleted (G; older notation c.319delG).
Protein change: p.Val107fs; shifts the reading frame from valine 107.
Molecular consequence: frameshift variant.
Genome position (GRCh38, 1-based): chr3:146,121,131, C deleted on the plus strand (G on the coding strand, the reverse complement: PLOD2 is on the minus strand); the first of 2 consecutive C bases (chr3:146,121,131-146,121,132); deleting either gives the same sequence. VCF-style (leftmost placement, unchanged base first): chr3-146121130-AC-A. GRCh37 (hg19) VCF-style: chr3-145838917-AC-A.
Other names: c.319del, p.Val107fs (NM_000935.3); short protein forms V107fs.
Identifiers: ClinVar variation 3353406 (VCV003353406.1).